The following is an entry in ClinVar:

NM_006031.6(PCNT):c.366C>G (p.Val122=)

Gene: PCNT (pericentrin; plus strand). Cytogenetic location: 21q22.3.
Variant type: single nucleotide variant.
Coding change: c.366C>G on transcript NM_006031.6 (MANE Select); coding-DNA position 366, C replaced by G.
Protein change: p.Val122=; no amino-acid change (valine 122 retained).
Molecular consequence: synonymous variant.
Genome position (GRCh38, 1-based): chr21:46,334,495, C>G. VCF-style: chr21-46334495-C-G. GRCh37 (hg19) VCF-style: chr21-47754409-C-G.
Other names: c.12C>G, p.Val4= (NM_001315529.2).
Identifiers: ClinVar variation 2635958 (VCV002635958.6), dbSNP rs530378785, ClinGen allele CA10078234.

ClinVar aggregate classification (germline): Likely benign. Review status: criteria provided, single submitter (1 of 4 stars). 2 submissions from 2 submitters: Likely benign (1). 1 of the submissions does not count toward it. Last evaluated 2026-01-05.

Conditions:
PCNT-related disorder. Also called: PCNT-related condition.

Allele frequency attached by ClinVar (database versions not stated): gnomAD 0.00010; ExAC 0.00006; 1000 Genomes Project 30x 0.00047; TOPMed 0.00014; gnomAD exomes 0.00010; 1000 Genomes Project 0.00040.
gnomAD v4.1: 162 of 1,612,848 alleles (0.01%); highest among the groups gnomAD compares: African/African-American, 0.015%; no homozygotes.

Submissions (2):

Labcorp Genetics (formerly Invitae), Labcorp
Classification: Likely benign. Last evaluated: 2026-01-05. Review status: criteria provided, single submitter. Criteria: Invitae Variant Classification Sherloc (09022015). Collection method: clinical testing. Allele origin: germline.

PreventionGenetics, part of Exact Sciences
Classification: Likely benign for PCNT-related condition. Last evaluated: 2024-02-04. Review status: no assertion criteria provided. Collection method: clinical testing. Allele origin: germline. Not counted in ClinVar's aggregate classification.
Comment: This variant is classified as likely benign based on ACMG/AMP sequence variant interpretation guidelines (Richards et al. 2015 PMID: 25741868, with internal and published modifications).